The following is an entry in ClinVar:

ClinVar aggregate classification (germline): Uncertain significance (1 of 4 stars; one submission).

Submission:

Ambry Genetics
Classification: Uncertain significance. Last evaluated: 2025-06-05. Review status: criteria provided, single submitter. Criteria: Ambry Variant Classification Scheme 2023. Collection method: clinical testing. Allele origin: germline.
Comment: The p.P1929S variant (also known as c.5785C>T), located in coding exon 23 of the WNK2 gene, results from a C to T substitution at nucleotide position 5785. The proline at codon 1929 is replaced by serine, an amino acid with similar properties. This amino acid position is conserved. In addition, this alteration is predicted to be tolerated by in silico analysis. Based on the available evidence, the clinical significance of this variant remains unclear.

NM_006648.4(WNK2):c.5785C>T (p.Pro1929Ser)

Gene: WNK2 (WNK lysine deficient protein kinase 2; plus strand). Cytogenetic location: 9q22.31.
Variant type: single nucleotide variant.
Coding change: c.5785C>T on transcript NM_006648.4 (MANE Select); coding-DNA position 5785, C replaced by T.
Protein change: p.Pro1929Ser; replaces proline 1929 with serine.
Molecular consequence: missense variant.
Genome position (GRCh38, 1-based): chr9:93,297,929, C>T. VCF-style: chr9-93297929-C-T. GRCh37 (hg19) VCF-style: chr9-96060211-C-T.
Other names: c.5896C>T, p.Pro1966Ser (NM_001282394.3); short protein forms P1966S, P1929S.
Identifiers: ClinVar variation 3470754 (VCV003470754.2).